The following is an entry in ClinVar:

NM_005337.5(NCKAP1L):c.2299C>T (p.Arg767Cys)

Gene: NCKAP1L (NCK associated protein 1 like; plus strand). Cytogenetic location: 12q13.2.
Variant type: single nucleotide variant.
Coding change: c.2299C>T on transcript NM_005337.5 (MANE Select); coding-DNA position 2299, C replaced by T.
Protein change: p.Arg767Cys; replaces arginine 767 with cysteine.
Molecular consequence: missense variant.
Genome position (GRCh38, 1-based): chr12:54,526,670, C>T. VCF-style: chr12-54526670-C-T. GRCh37 (hg19) VCF-style: chr12-54920454-C-T.
Other names: c.2149C>T, p.Arg717Cys (NM_001184976.2); short protein forms R717C, R767C.
Identifiers: ClinVar variation 4556282 (VCV004556282.2).
Genomic context (GRCh38, chr12:54,526,670, plus strand): 5'-TACATTGGTTTCATACAGTCACTGGCCCAGTTTTTGGGTGCAGATGCTTCCAGAGTCATC[C>T]GCAACGCCCTCCTGCAGCAGACACAACCACTGGATTCCTGTGGGGAACAGACAATCACCA-3'
Protein context (NP_005328.2, residues 757-777): FLGADASRVI[Arg767Cys]NALLQQTQPL

ClinVar aggregate classification (germline): Uncertain significance. Review status: criteria provided, multiple submitters, no conflicts (2 of 4 stars). 2 submissions from 2 submitters: Uncertain significance (2). Last evaluated 2026-03-17.

Conditions:
NCKAP1L-related disorder. Also called: NCKAP1L-related condition.

gnomAD v4.1: 189 of 1,613,980 alleles (0.012%); highest among the groups gnomAD compares: Non-Finnish European, 0.015%; no homozygotes.

Submissions (2):

PreventionGenetics, part of Exact Sciences
Classification: Uncertain significance for NCKAP1L-related condition. Last evaluated: 2026-03-17. Review status: criteria provided, single submitter. Criteria: ACMG Guidelines, 2015. Collection method: clinical testing. Allele origin: germline.
Comment: The NCKAP1L c.2299C>T variant is predicted to result in the amino acid substitution p.Arg767Cys. To our knowledge, this variant has not been reported in the literature. This variant is reported in 0.0088% of alleles in individuals of European (Non-Finnish) descent in gnomAD. At this time, the clinical significance of this variant is uncertain due to the absence of conclusive functional and genetic evidence.

Ambry Genetics
Classification: Uncertain significance. Last evaluated: 2025-10-18. Review status: criteria provided, single submitter. Criteria: Ambry Variant Classification Scheme 2023. Collection method: clinical testing. Allele origin: germline.